The following is an entry in ClinVar:

ClinVar aggregate classification (germline): Uncertain significance (1 of 4 stars; one submission).

Submission:

Labcorp Genetics (formerly Invitae), Labcorp
Classification: Uncertain significance. Last evaluated: 2024-02-17. Review status: criteria provided, single submitter. Criteria: Invitae Variant Classification Sherloc (09022015). Collection method: clinical testing. Allele origin: germline.
Comment: This sequence change replaces cysteine, which is neutral and slightly polar, with arginine, which is basic and polar, at codon 937 of the ADAMTSL4 protein (p.Cys937Arg). This variant is not present in population databases (gnomAD no frequency). This variant has not been reported in the literature in individuals affected with ADAMTSL4-related conditions. ClinVar contains an entry for this variant (Variation ID: 2067733). Advanced modeling of protein sequence and biophysical properties (such as structural, functional, and spatial information, amino acid conservation, physicochemical variation, residue mobility, and thermodynamic stability) has been performed at Invitae for this missense variant, however the output from this modeling did not meet the statistical confidence thresholds required to predict the impact of this variant on ADAMTSL4 protein function. In summary, the available evidence is currently insufficient to determine the role of this variant in disease. Therefore, it has been classified as a Variant of Uncertain Significance.

NM_019032.6(ADAMTSL4):c.2809T>C (p.Cys937Arg)

Gene: ADAMTSL4 (ADAMTS like 4; plus strand). Cytogenetic location: 1q21.2.
Variant type: single nucleotide variant.
Coding change: c.2809T>C on transcript NM_019032.6 (MANE Select); coding-DNA position 2809, T replaced by C.
Protein change: p.Cys937Arg; replaces cysteine 937 with arginine.
Molecular consequence: missense variant.
Genome position (GRCh38, 1-based): chr1:150,559,332, T>C. VCF-style: chr1-150559332-T-C. GRCh37 (hg19) VCF-style: chr1-150531808-T-C.
Other names: c.2692T>C, p.Cys898Arg (NM_001288607.2); c.2878T>C, p.Cys960Arg (NM_001288608.2); c.2809T>C, p.Cys937Arg (NM_001378596.1); short protein forms C898R, C937R, C960R.
Identifiers: ClinVar variation 2067733 (VCV002067733.4), dbSNP rs2526786566, ClinGen allele CA342317222.